The following is an entry in ClinVar:

NM_001080442.3(SLC38A8):c.1305C>G (p.Phe435Leu)

Gene: SLC38A8 (solute carrier family 38 member 8; minus strand). Cytogenetic location: 16q23.3.
Variant type: single nucleotide variant.
Coding change: c.1305C>G on transcript NM_001080442.3 (MANE Select); coding-DNA position 1305, C replaced by G.
Protein change: p.Phe435Leu; replaces phenylalanine 435 with leucine.
Molecular consequence: missense variant.
Genome position (GRCh38, 1-based): chr16:84,009,787, G>C on the plus strand (C>G on the coding strand, the complement: SLC38A8 is on the minus strand). VCF-style: chr16-84009787-G-C. GRCh37 (hg19) VCF-style: chr16-84043392-G-C.
Other names: c.1305C>G (NM_001080442.2); short protein forms F435L.
Identifiers: ClinVar variation 1601693 (VCV001601693.11), dbSNP rs111765632, ClinGen allele CA8199610.

ClinVar aggregate classification (germline): Benign/Likely benign. Review status: criteria provided, multiple submitters, no conflicts (2 of 4 stars). 3 submissions from 3 submitters: Benign (1); Likely benign (1). 1 of the submissions does not count toward it. Last evaluated 2025-12-08.

Conditions:
SLC38A8-related disorder. Also called: SLC38A8-related condition.

Allele frequency attached by ClinVar (database versions not stated): ExAC 0.00077; ESP Exome Variant Server 0.00215; 1000 Genomes Project 0.00300; 1000 Genomes Project 30x 0.00312.
gnomAD v4.1: 621 of 1,613,672 alleles (0.038%); highest among the groups gnomAD compares: African/African-American, 0.71%; 2 homozygotes.

Submissions (3):

Labcorp Genetics (formerly Invitae), Labcorp
Classification: Benign. Last evaluated: 2025-12-08. Review status: criteria provided, single submitter. Criteria: Invitae Variant Classification Sherloc (09022015). Collection method: clinical testing. Allele origin: germline.

Blueprint Genetics
Classification: Likely benign. Last evaluated: 2024-10-28. Review status: criteria provided, single submitter. Criteria: ACMG Guidelines, 2015. Collection method: clinical testing. Allele origin: germline.

PreventionGenetics, part of Exact Sciences
Classification: Likely benign for SLC38A8-related condition. Last evaluated: 2019-08-15. Review status: no assertion criteria provided. Collection method: clinical testing. Allele origin: germline. Not counted in ClinVar's aggregate classification.
Comment: This variant is classified as likely benign based on ACMG/AMP sequence variant interpretation guidelines (Richards et al. 2015 PMID: 25741868, with internal and published modifications).